The following is an entry in ClinVar:

ClinVar aggregate classification (germline): Uncertain significance. Review status: criteria provided, multiple submitters, no conflicts (2 of 4 stars). 2 submissions from 2 submitters: Uncertain significance (2). Last evaluated 2026-07-06.

Conditions:
Hereditary cancer-predisposing syndrome. Also called: Hereditary Cancer Syndrome; Hereditary neoplastic syndrome; Neoplastic Syndromes, Hereditary; Tumor predisposition. Identifiers: Orphanet 140162, MedGen C0027672, MeSH D009386, MONDO:0015356.
Oligodontia-cancer predisposition syndrome. Also called: TOOTH AGENESIS-COLORECTAL CANCER SYNDROME. Identifiers: Orphanet 300576, MedGen C1837750, MONDO:0012075, OMIM 608615. Disease mechanism: loss of function.

Submissions (2):

Ambry Genetics
Classification: Uncertain significance for Hereditary cancer-predisposing syndrome. Last evaluated: 2026-07-06. Review status: criteria provided, single submitter. Criteria: Ambry Variant Classification Scheme 2023. Collection method: clinical testing. Allele origin: germline.
Comment: The p.Y135H variant (also known as c.403T>C), located in coding exon 1 of the AXIN2 gene, results from a T to C substitution at nucleotide position 403. The tyrosine at codon 135 is replaced by histidine, an amino acid with similar properties. This amino acid position is conserved. In addition, the in silico prediction for this alteration is inconclusive. Based on the available evidence, the clinical significance of this variant remains unclear.

Labcorp Genetics (formerly Invitae), Labcorp
Classification: Uncertain significance for Oligodontia-cancer predisposition syndrome. Last evaluated: 2022-12-31. Review status: criteria provided, single submitter. Criteria: Invitae Variant Classification Sherloc (09022015). Collection method: clinical testing. Allele origin: germline.
Comment: This sequence change replaces tyrosine, which is neutral and polar, with histidine, which is basic and polar, at codon 135 of the AXIN2 protein (p.Tyr135His). This variant is not present in population databases (gnomAD no frequency). This variant has not been reported in the literature in individuals affected with AXIN2-related conditions. Advanced modeling of protein sequence and biophysical properties (such as structural, functional, and spatial information, amino acid conservation, physicochemical variation, residue mobility, and thermodynamic stability) performed at Invitae indicates that this missense variant is not expected to disrupt AXIN2 protein function. In summary, the available evidence is currently insufficient to determine the role of this variant in disease. Therefore, it has been classified as a Variant of Uncertain Significance.

NM_004655.4(AXIN2):c.403T>C (p.Tyr135His)

Gene: AXIN2 (axin 2; minus strand). Cytogenetic location: 17q24.1.
Variant type: single nucleotide variant.
Coding change: c.403T>C on transcript NM_004655.4 (MANE Select); coding-DNA position 403, T replaced by C.
Protein change: p.Tyr135His; replaces tyrosine 135 with histidine.
Molecular consequence: missense variant.
Genome position (GRCh38, 1-based): chr17:65,558,218, A>G on the plus strand (T>C on the coding strand, the complement: AXIN2 is on the minus strand). VCF-style: chr17-65558218-A-G. GRCh37 (hg19) VCF-style: chr17-63554336-A-G.
Other names: c.403T>C, p.Tyr135His (NM_001363813.1); short protein forms Y135H.
Identifiers: ClinVar variation 2972994 (VCV002972994.4), dbSNP rs144607215, ClinGen allele CA400681472.